The following is an entry in ClinVar:

ClinVar aggregate classification (germline): Conflicting classifications of pathogenicity. Review status: criteria provided, conflicting classifications (1 of 4 stars). 2 submissions from 2 submitters: Likely pathogenic (1); Uncertain significance (1). Last evaluated 2025-08-08.

Conditions:
Methylmalonic aciduria due to methylmalonyl-CoA mutase deficiency (MAMM). Also called: Methylmalonic aciduria, mut type. Identifiers: Orphanet 27, MedGen C1855114, MONDO:0009612, OMIM 251000.

Allele frequency attached by ClinVar (database versions not stated): ExAC 0.00002.
gnomAD v4.1: 4 of 1,613,340 alleles (0.00025%); highest among the groups gnomAD compares: Admixed American, 0.0067%; no homozygotes.

Submissions (2):

Myriad Genetics, Inc.
Classification: Uncertain significance for Methylmalonic aciduria due to methylmalonyl-CoA mutase deficiency. Last evaluated: 2025-08-08. Review status: criteria provided, single submitter. Criteria: Myriad Autosomal Dominant, Autosomal Recessive and X-Linked Classification Criteria (2023). Collection method: clinical testing. Allele origin: unknown.
Comment: NM_000255.3(MMUT):c.970G>T(A324S) is a missense variant classified as a variant of uncertain significance in the context of methylmalonic acidemia, MMUT-related. A324S has not been observed in cases with relevant disease. Relevant functional assessments of this variant are not available in the literature. A324S has been observed in referenced population frequency databases. In summary, there is insufficient evidence to classify NM_000255.3(MMUT):c.970G>T(A324S) as pathogenic or benign. Please note: this variant was assessed in the context of healthy population screening.

Labcorp Genetics (formerly Invitae), Labcorp
Classification: Likely pathogenic. Last evaluated: 2025-01-02. Review status: criteria provided, single submitter. Criteria: Invitae Variant Classification Sherloc (09022015). Collection method: clinical testing. Allele origin: germline.
Comment: This sequence change replaces alanine, which is neutral and non-polar, with serine, which is neutral and polar, at codon 324 of the MUT protein (p.Ala324Ser). This variant is present in population databases (rs780387525, gnomAD 0.006%). This variant has not been reported in the literature in individuals affected with MUT-related conditions. ClinVar contains an entry for this variant (Variation ID: 3000921). Invitae Evidence Modeling of protein sequence and biophysical properties (such as structural, functional, and spatial information, amino acid conservation, physicochemical variation, residue mobility, and thermodynamic stability) indicates that this missense variant is expected to disrupt MUT protein function with a positive predictive value of 95%. This variant disrupts the p.Ala324 amino acid residue in MUT. Other variant(s) that disrupt this residue have been determined to be pathogenic (PMID: 15781192, 16281286, 17957493; internal data). This suggests that this residue is clinically significant, and that variants that disrupt this residue are likely to be disease-causing. In summary, the currently available evidence indicates that the variant is pathogenic, but additional data are needed to prove that conclusively. Therefore, this variant has been classified as Likely Pathogenic.

Literature cited by the submitters: PubMed 15781192 (cited by Labcorp Genetics (formerly Invitae), Labcorp); PubMed 16281286 (cited by Labcorp Genetics (formerly Invitae), Labcorp); PubMed 17957493 (cited by Labcorp Genetics (formerly Invitae), Labcorp).

NM_000255.4(MMUT):c.970G>T (p.Ala324Ser)

Gene: MMUT (methylmalonyl-CoA mutase; minus strand). Cytogenetic location: 6p12.3.
Variant type: single nucleotide variant.
Coding change: c.970G>T on transcript NM_000255.4 (MANE Select); coding-DNA position 970, G replaced by T.
Protein change: p.Ala324Ser; replaces alanine 324 with serine.
Molecular consequence: missense variant.
Genome position (GRCh38, 1-based): chr6:49,453,698, C>A on the plus strand (G>T on the coding strand, the complement: MMUT is on the minus strand). VCF-style: chr6-49453698-C-A. GRCh37 (hg19) VCF-style: chr6-49421411-C-A.
Other names: short protein forms A324S.
Identifiers: ClinVar variation 3000921 (VCV003000921.4), dbSNP rs780387525, ClinGen allele CA3846996.